The following is an entry in ClinVar:

ClinVar aggregate classification (germline): Uncertain significance (1 of 4 stars; one submission).

Submission:

Labcorp Genetics (formerly Invitae), Labcorp
Classification: Uncertain significance. Last evaluated: 2025-11-06. Review status: criteria provided, single submitter. Criteria: Invitae Variant Classification Sherloc (09022015). Collection method: clinical testing. Allele origin: germline.
Comment: This variant, c.1732_1734del, results in the deletion of 1 amino acid(s) of the MKL1 protein (p.Glu578del), but otherwise preserves the integrity of the reading frame. This variant is not present in population databases (gnomAD no frequency). This variant has not been reported in the literature in individuals affected with MKL1-related conditions. Experimental studies and prediction algorithms are not available or were not evaluated, and the functional significance of this variant is currently unknown. In summary, the available evidence is currently insufficient to determine the role of this variant in disease. Therefore, it has been classified as a Variant of Uncertain Significance.

NM_020831.6(MRTFA):c.2032_2034del (p.Glu678del)

Gene: MRTFA (myocardin related transcription factor A; minus strand). Cytogenetic location: 22q13.1.
Variant type: Deletion.
Coding change: c.2032_2034del on transcript NM_020831.6 (MANE Select); coding-DNA positions 2032 to 2034, 3 bases deleted (GAG; older notation c.2032_2034delGAG).
Protein change: p.Glu678del; deletes glutamic acid 678.
Genome position (GRCh38, 1-based): chr22:40,418,704-40,418,706, CTC deleted on the plus strand (GAG on the coding strand, the reverse complement: MRTFA is on the minus strand); deleting any 3 consecutive bases within chr22:40,418,704-40,418,708 gives the same sequence; the c. name uses the placement nearest the transcript's 3' end. VCF-style (leftmost placement, unchanged base first): chr22-40418703-TCTC-T. GRCh37 (hg19) VCF-style: chr22-40814707-TCTC-T.
Other names: c.1732_1734del, p.Glu578del (NM_001282660.2); c.1882_1884del, p.Glu628del (NM_001282661.3); c.2032_2034del, p.Glu678del (NM_001282662.3); c.1837_1839del, p.Glu613del (NM_001318139.2); short protein forms E578del, E613del, E628del, E678del.
Identifiers: ClinVar variation 4761161 (VCV004761161.1).
Genomic context (GRCh38, chr22:40,418,703, plus strand): 5'-GGTTGAATGGGTGAGCGGGGCCCAGGGGCTGCTGGCTCAGCTGGCAGCTGGAGAAGCTGT[TCTC>T]CTGCTTCACGGGGGTGCCGAGGGGGGCGGGGGCGGGGGCGGGCTGCTGGGCTCGCTTCTC-3'